The following is an entry in ClinVar:

NM_012330.4(KAT6B):c.5512G>A (p.Ala1838Thr)

Gene: KAT6B (lysine acetyltransferase 6B; plus strand). Cytogenetic location: 10q22.2.
Variant type: single nucleotide variant.
Coding change: c.5512G>A on transcript NM_012330.4 (MANE Select); coding-DNA position 5512, G replaced by A.
Protein change: p.Ala1838Thr; replaces alanine 1838 with threonine.
Molecular consequence: missense variant.
Genome position (GRCh38, 1-based): chr10:75,030,336, G>A. VCF-style: chr10-75030336-G-A. GRCh37 (hg19) VCF-style: chr10-76790094-G-A.
Other names: c.4474G>A, p.Ala1492Thr (NM_001370132.1); c.3823G>A, p.Ala1275Thr (NM_001370133.1); c.3427G>A, p.Ala1143Thr (NM_001370134.1); c.3169G>A, p.Ala1057Thr (NM_001370135.1); c.5512G>A, p.Ala1838Thr (NM_001370136.1, NM_001370137.1); c.4963G>A, p.Ala1655Thr (NM_001370138.1, NM_001256468.2); c.4636G>A, p.Ala1546Thr (NM_001370139.1, NM_001370140.1, NM_001256469.2 and 2 more transcripts); c.4447G>A, p.Ala1483Thr (NM_001370143.1, NM_001370144.1); short protein forms A1057T, A1483T, A1492T, A1655T, A1143T, A1546T, A1275T, A1838T.
Identifiers: ClinVar variation 3597985 (VCV003597985.5).

ClinVar aggregate classification (germline): Conflicting classifications of pathogenicity. Review status: criteria provided, conflicting classifications (1 of 4 stars). 4 submissions from 4 submitters: Uncertain significance (3); Likely benign (1). Last evaluated 2025-02-09.

Conditions:
Blepharophimosis - intellectual disability syndrome, SBBYS type (SBBYSS). Also called: Young Simpson syndrome; Mental retardation unusual facies hypothyroidism; Say-Barber-Biesecker variant of Ohdo syndrome (SBBYSS); Say-Barber-Biesecker-Young-Simpson variant of Ohdo Syndrome; Say-Barber-Biesecker Variant of Ohdo Syndrome; Ohdo syndrome, SBBYS variant. Identifiers: Orphanet 3047, MedGen C1863557, MONDO:0011365, OMIM 603736.
Genitopatellar syndrome (GTPTS). Also called: Genitopatellar syndrome (GPS); ABSENT PATELLAE, SCROTAL HYPOPLASIA, RENAL ANOMALIES, FACIAL DYSMORPHISM, AND MENTAL RETARDATION. Identifiers: Orphanet 85201, MedGen C1853566, MONDO:0011640, OMIM 606170.

gnomAD v4.1: 17 of 1,614,166 alleles (0.0011%); highest among the groups gnomAD compares: African/African-American, 0.0027%; no homozygotes.

Submissions (4):

Labcorp Genetics (formerly Invitae), Labcorp
Classification: Uncertain significance for Genitopatellar syndrome. Last evaluated: 2025-02-09. Review status: criteria provided, single submitter. Criteria: Invitae Variant Classification Sherloc (09022015). Collection method: clinical testing. Allele origin: germline.
Comment: This sequence change replaces alanine, which is neutral and non-polar, with threonine, which is neutral and polar, at codon 1838 of the KAT6B protein (p.Ala1838Thr). This variant is present in population databases (rs143804810, gnomAD 0.007%). This missense change has been observed in individual(s) with renal anomalies (PMID: 36549658). ClinVar contains an entry for this variant (Variation ID: 3597985). Invitae Evidence Modeling of protein sequence and biophysical properties (such as structural, functional, and spatial information, amino acid conservation, physicochemical variation, residue mobility, and thermodynamic stability) indicates that this missense variant is not expected to disrupt KAT6B protein function with a negative predictive value of 80%. In summary, the available evidence is currently insufficient to determine the role of this variant in disease. Therefore, it has been classified as a Variant of Uncertain Significance.

Blueprint Genetics
Classification: Likely benign. Last evaluated: 2024-05-15. Review status: criteria provided, single submitter. Criteria: ACMG Guidelines, 2015. Collection method: clinical testing. Allele origin: germline.

Fulgent Genetics
Classification: Uncertain significance for Blepharophimosis - intellectual disability syndrome, SBBYS type; Genitopatellar syndrome. Last evaluated: 2024-04-03. Review status: criteria provided, single submitter. Criteria: ACMG Guidelines, 2015. Collection method: clinical testing. Allele origin: germline.

Juno Genomics, Hangzhou Juno Genomics, Inc
Classification: Uncertain significance for Blepharophimosis - intellectual disability syndrome, SBBYS type; Genitopatellar syndrome. Review status: criteria provided, single submitter. Criteria: ACMG Guidelines, 2015. Collection method: clinical testing. Allele origin: germline.
Comment: Absent from controls (or at extremely low frequency if recessive) in Genome Aggregation Database.;Missense variant in a gene that has a low rate of benign missense variation.

Literature cited by the submitters: PubMed 36549658 (cited by Labcorp Genetics (formerly Invitae), Labcorp).